The following is an entry in ClinVar:

NM_020458.4(TTC7A):c.743A>T (p.Tyr248Phe)

Gene: TTC7A (tetratricopeptide repeat domain 7A; plus strand). Cytogenetic location: 2p21.
Variant type: single nucleotide variant.
Coding change: c.743A>T on transcript NM_020458.4 (MANE Select); coding-DNA position 743, A replaced by T.
Protein change: p.Tyr248Phe; replaces tyrosine 248 with phenylalanine.
Molecular consequence: missense variant. On other transcripts: 5 prime UTR variant (1).
Genome position (GRCh38, 1-based): chr2:46,978,886, A>T. VCF-style: chr2-46978886-A-T. GRCh37 (hg19) VCF-style: chr2-47206025-A-T.
Other names: c.743A>T, p.Tyr248Phe (NM_001288951.2); c.641A>T, p.Tyr214Phe (NM_001288953.2); c.-162A>T (NM_001288955.2); short protein forms Y214F, Y248F.
Identifiers: ClinVar variation 1394634 (VCV001394634.6), dbSNP rs147976856, ClinGen allele CA346723878.

ClinVar aggregate classification (germline): Uncertain significance (1 of 4 stars; one submission).

Conditions:
Multiple gastrointestinal atresias. Also called: Multiple intestinal atresia; FAMILIAL INTESTINAL POLYATRESIA SYNDROME. Identifiers: Orphanet 2300, MedGen C0220744, MONDO:0009465.

Submission:

Labcorp Genetics (formerly Invitae), Labcorp
Classification: Uncertain significance for Multiple gastrointestinal atresias. Last evaluated: 2022-07-19. Review status: criteria provided, single submitter. Criteria: Invitae Variant Classification Sherloc (09022015). Collection method: clinical testing. Allele origin: germline.
Comment: This variant has not been reported in the literature in individuals affected with TTC7A-related conditions. In summary, the available evidence is currently insufficient to determine the role of this variant in disease. Therefore, it has been classified as a Variant of Uncertain Significance. Algorithms developed to predict the effect of missense changes on protein structure and function output the following: SIFT: "Tolerated"; PolyPhen-2: "Benign"; Align-GVGD: "Class C0". The phenylalanine amino acid residue is found in multiple mammalian species, which suggests that this missense change does not adversely affect protein function. ClinVar contains an entry for this variant (Variation ID: 1394634). This variant is not present in population databases (gnomAD no frequency). This sequence change replaces tyrosine, which is neutral and polar, with phenylalanine, which is neutral and non-polar, at codon 248 of the TTC7A protein (p.Tyr248Phe).